The following is an entry in ClinVar:

NM_152305.3(POGLUT1):c.327T>C (p.Ser109=)

Gene: POGLUT1 (protein O-glucosyltransferase 1; plus strand). Cytogenetic location: 3q13.33.
Variant type: single nucleotide variant.
Coding change: c.327T>C on transcript NM_152305.3 (MANE Select); coding-DNA position 327, T replaced by C.
Protein change: p.Ser109=; no amino-acid change (serine 109 retained).
Molecular consequence: synonymous variant. On other transcripts: non-coding transcript variant (1).
Genome position (GRCh38, 1-based): chr3:119,477,319, T>C. VCF-style: chr3-119477319-T-C. GRCh37 (hg19) VCF-style: chr3-119196166-T-C.
Other names: p.Ser109=.
Identifiers: ClinVar variation 1169234 (VCV001169234.16), dbSNP rs3732420, ClinGen allele CA2554822.

ClinVar aggregate classification (germline): Benign. Review status: criteria provided, multiple submitters, no conflicts (2 of 4 stars). 5 submissions from 5 submitters: Benign (4). 1 of the submissions does not count toward it. Last evaluated 2026-02-04.

Conditions:
POGLUT1-related disorder. Also called: POGLUT1-related condition.

Allele frequency attached by ClinVar (database versions not stated): 1000 Genomes Project 0.11901; 1000 Genomes Project 30x 0.12008; gnomAD 0.14372 and 0.14477; TOPMed 0.14555; ESP Exome Variant Server 0.14024; gnomAD exomes 0.17269; ExAC 0.16707.
gnomAD v4.1: 302,582 of 1,613,422 alleles (19%); highest among the groups gnomAD compares: Admixed American, 24%; 30,093 homozygotes.

Submissions (5):

Labcorp Genetics (formerly Invitae), Labcorp
Classification: Benign. Last evaluated: 2026-02-04. Review status: criteria provided, single submitter. Criteria: Invitae Variant Classification Sherloc (09022015). Collection method: clinical testing. Allele origin: germline.

Mayo Clinic Laboratories, Mayo Clinic
Classification: Benign. Last evaluated: 2022-03-24. Review status: criteria provided, single submitter. Criteria: ACMG Guidelines, 2015. Collection method: clinical testing. Allele origin: germline. Observed: 174 variant alleles.

GeneDx
Classification: Benign. Last evaluated: 2018-09-04. Review status: criteria provided, single submitter. Criteria: GeneDx Variant Classification Process June 2021. Collection method: clinical testing. Allele origin: germline. Affected: yes.

Breakthrough Genomics
Classification: Benign. Review status: criteria provided, single submitter. Criteria: ACMG Guidelines, 2015. Collection method: not provided. Allele origin: germline. Inheritance: Autosomal recessive inheritance. Affected: yes.

PreventionGenetics, part of Exact Sciences
Classification: Benign for POGLUT1-related condition. Last evaluated: 2019-05-02. Review status: no assertion criteria provided. Collection method: clinical testing. Allele origin: germline. Not counted in ClinVar's aggregate classification.
Comment: This variant is classified as benign based on ACMG/AMP sequence variant interpretation guidelines (Richards et al. 2015 PMID: 25741868, with internal and published modifications).